The following is an entry in ClinVar:

ClinVar aggregate classification (germline): Uncertain significance (1 of 4 stars; one submission).

Submission:

Labcorp Genetics (formerly Invitae), Labcorp
Classification: Uncertain significance. Last evaluated: 2020-08-25. Review status: criteria provided, single submitter. Criteria: Invitae Variant Classification Sherloc (09022015). Collection method: clinical testing. Allele origin: germline.
Comment: This variant is not present in population databases (ExAC no frequency). This sequence change replaces alanine with threonine at codon 136 of the CCT2 protein (p.Ala136Thr). The alanine residue is moderately conserved and there is a small physicochemical difference between alanine and threonine. This variant has not been reported in the literature in individuals with CCT2-related conditions. In summary, the available evidence is currently insufficient to determine the role of this variant in disease. Therefore, it has been classified as a Variant of Uncertain Significance. Algorithms developed to predict the effect of missense changes on protein structure and function (SIFT, PolyPhen-2, Align-GVGD) all suggest that this variant is likely to be tolerated, but these predictions have not been confirmed by published functional studies and their clinical significance is uncertain.

NM_006431.3(CCT2):c.406G>A (p.Ala136Thr)

Gene: CCT2 (chaperonin containing TCP1 subunit 2; plus strand). Cytogenetic location: 12q15.
Variant type: single nucleotide variant.
Coding change: c.406G>A on transcript NM_006431.3 (MANE Select); coding-DNA position 406, G replaced by A.
Protein change: p.Ala136Thr; replaces alanine 136 with threonine.
Molecular consequence: missense variant.
Genome position (GRCh38, 1-based): chr12:69,588,222, G>A. VCF-style: chr12-69588222-G-A. GRCh37 (hg19) VCF-style: chr12-69982002-G-A.
Other names: c.265G>A, p.Ala89Thr (NM_001198842.2); short protein forms A136T, A89T.
Identifiers: ClinVar variation 1022213 (VCV001022213.8), dbSNP rs766120303, ClinGen allele CA385725088.
Genomic context (GRCh38, chr12:69,588,222, plus strand): 5'-TTAATTGCAAAAAAGATTCATCCACAGACCATCATAGCGGGTTGGAGAGAAGCCACGAAG[G>A]CTGCAAGAGAGGCGCTGTTGAGTTCTGCAGTTGATCATGGGTTTGTATAGCAAAGTACTA-3'
Protein context (NP_006422.1, residues 126-146): IIAGWREATK[Ala136Thr]AREALLSSAV